The following is an entry in ClinVar:

ClinVar aggregate classification (germline): Benign/Likely benign. Review status: criteria provided, multiple submitters, no conflicts (2 of 4 stars). 3 submissions from 3 submitters: Benign (1); Likely benign (2). Last evaluated 2025-03-14.

Conditions:
Fanconi anemia complementation group J. Also called: BRIP1-Related Fanconi Anemia. Identifiers: Orphanet 84, MedGen C1836860, MONDO:0012187, OMIM 609054.
Familial cancer of breast. Also called: Hereditary breast cancer; hereditary breast carcinoma; BREAST CANCER, FAMILIAL. Identifiers: Orphanet 227535, MedGen C0346153, MONDO:0016419, OMIM 114480. Disease mechanism: loss of function.
Hereditary cancer-predisposing syndrome. Also called: Neoplastic Syndromes, Hereditary; Hereditary neoplastic syndrome; Tumor predisposition; Hereditary Cancer Syndrome. Identifiers: Orphanet 140162, MedGen C0027672, MeSH D009386, MONDO:0015356.

Submissions (3):

Ambry Genetics
Classification: Likely benign for Hereditary cancer-predisposing syndrome. Last evaluated: 2025-03-14. Review status: criteria provided, single submitter. Criteria: Ambry Variant Classification Scheme 2023. Collection method: clinical testing. Allele origin: germline.

Myriad Genetics, Inc.
Classification: Benign for Familial cancer of breast. Last evaluated: 2024-09-03. Review status: criteria provided, single submitter. Criteria: Myriad Autosomal Dominant, Autosomal Recessive and X-Linked Classification Criteria (2023). Collection method: clinical testing. Allele origin: unknown.
Comment: This variant is considered benign. This variant is a silent/synonymous amino acid change and it is not expected to impact splicing.

Labcorp Genetics (formerly Invitae), Labcorp
Classification: Likely benign for Familial cancer of breast; Fanconi anemia complementation group J. Last evaluated: 2023-09-25. Review status: criteria provided, single submitter. Criteria: Invitae Variant Classification Sherloc (09022015). Collection method: clinical testing. Allele origin: germline.

NM_032043.3(BRIP1):c.2001T>G (p.Thr667=)

Gene: BRIP1 (BRCA1 interacting DNA helicase 1; minus strand). Cytogenetic location: 17q23.2.
Variant type: single nucleotide variant.
Coding change: c.2001T>G on transcript NM_032043.3 (MANE Select); coding-DNA position 2001, T replaced by G.
Protein change: p.Thr667=; no amino-acid change (threonine 667 retained).
Molecular consequence: synonymous variant.
Genome position (GRCh38, 1-based): chr17:61,776,497, A>C on the plus strand (T>G on the coding strand, the complement: BRIP1 is on the minus strand). VCF-style: chr17-61776497-A-C. GRCh37 (hg19) VCF-style: chr17-59853858-A-C.
Identifiers: ClinVar variation 1939183 (VCV001939183.7), dbSNP rs2145031157, ClinGen allele CA501150176.